The following is an entry in ClinVar:

ClinVar aggregate classification (germline): Likely benign. Review status: criteria provided, multiple submitters, no conflicts (2 of 4 stars). 5 submissions from 5 submitters: Likely benign (5). Last evaluated 2026-02-03.

Conditions:
Developmental and epileptic encephalopathy, 1 (DEE1). Also called: INFANTILE SPASM SYNDROME, X-LINKED 1; Epileptic encephalopathy, early infantile, 1; OHTAHARA SYNDROME, X-LINKED; X-linked infantile spasms; West's syndrome; Tonic spasms with clustering, arrest of psychomotor development and hypsarrhythmia on EEG. Identifiers: MedGen C3463992, MONDO:0010632, OMIM 308350. Disease mechanism: loss of function.
Intellectual disability, X-linked, with or without seizures, ARX-related. Also called: Mental retardation, X-linked 52; MENTAL RETARDATION, X-LINKED 29; MENTAL RETARDATION, X-LINKED 32; MENTAL RETARDATION, X-LINKED 33; MENTAL RETARDATION, X-LINKED 38; MENTAL RETARDATION, X-LINKED 43. Identifiers: Orphanet 777, MedGen C0796244, MONDO:0010317, OMIM 300419.
Inborn genetic diseases. Identifiers: MedGen C0950123, MeSH D030342.

Submissions (5):

Labcorp Genetics (formerly Invitae), Labcorp
Classification: Likely benign for Developmental and epileptic encephalopathy, 1; Intellectual disability, X-linked, with or without seizures, ARX-related. Last evaluated: 2026-02-03. Review status: criteria provided, single submitter. Criteria: Invitae Variant Classification Sherloc (09022015). Collection method: clinical testing. Allele origin: germline.

CeGaT Center for Human Genetics Tuebingen
Classification: Likely benign. Last evaluated: 2025-02-01. Review status: criteria provided, single submitter. Criteria: CeGaT Center For Human Genetics Tuebingen Variant Classification Criteria Version 2. Collection method: clinical testing. Allele origin: germline. Affected: yes. Observed: 15 variant alleles.
Comment: ARX: BP4, BP7, BS2

Blueprint Genetics
Classification: Likely benign. Last evaluated: 2024-09-24. Review status: criteria provided, single submitter. Criteria: ACMG Guidelines, 2015. Collection method: clinical testing. Allele origin: germline.

Ambry Genetics
Classification: Likely benign for Inborn genetic diseases. Last evaluated: 2016-12-12. Review status: criteria provided, single submitter. Criteria: Ambry Variant Classification Scheme 2023. Collection method: clinical testing. Allele origin: germline.

Breakthrough Genomics
Classification: Likely benign. Review status: criteria provided, single submitter. Criteria: ACMG Guidelines, 2015. Collection method: not provided. Allele origin: germline. Inheritance: X-linked inheritance. Affected: yes.

Literature cited by the submitters: PubMed 21496008 (cited by Ambry Genetics).

NM_139058.3(ARX):c.441A>C (p.Ala147=)

Genes: ARX (aristaless related homeobox; minus strand), LOC109610631 (aristaless related homeobox polyalanine expansion region; plus strand). Cytogenetic location: Xp21.3.
Variant type: single nucleotide variant.
Coding change: c.441A>C on transcript NM_139058.3 (MANE Select); coding-DNA position 441, A replaced by C.
Protein change: p.Ala147=; no amino-acid change (alanine 147 retained).
Molecular consequence: synonymous variant.
Genome position (GRCh38, 1-based): chrX:25,013,554, T>G on the plus strand (A>C on the coding strand, the complement: ARX is on the minus strand). VCF-style: chrX-25013554-T-G. GRCh37 (hg19) VCF-style: chrX-25031671-T-G.
Identifiers: ClinVar variation 588540 (VCV000588540.45), dbSNP rs797045301, ClinGen allele CA515947705.